The following is an entry in ClinVar:

ClinVar aggregate classification (germline): Conflicting classifications of pathogenicity. Review status: criteria provided, conflicting classifications (1 of 4 stars). 3 submissions from 3 submitters: Uncertain significance (1); Likely benign (2). Last evaluated 2025-01-21.

Allele frequency attached by ClinVar (database versions not stated): gnomAD 0.00002 and 0.00003; TOPMed 0.00004; ExAC 0.00006; gnomAD exomes 0.00008; 1000 Genomes Project 30x 0.00016; 1000 Genomes Project 0.00020.
gnomAD v4.1: 39 of 1,613,870 alleles (0.0024%); highest among the groups gnomAD compares: East Asian, 0.051%; no homozygotes.

Submissions (3):

Labcorp Genetics (formerly Invitae), Labcorp
Classification: Likely benign. Last evaluated: 2025-01-21. Review status: criteria provided, single submitter. Criteria: Invitae Variant Classification Sherloc (09022015). Collection method: clinical testing. Allele origin: germline.

Blueprint Genetics
Classification: Likely benign. Last evaluated: 2022-01-10. Review status: criteria provided, single submitter. Criteria: ACMG Guidelines, 2015. Collection method: clinical testing. Allele origin: germline.

GeneDx
Classification: Uncertain significance. Last evaluated: 2021-04-06. Review status: criteria provided, single submitter. Criteria: GeneDx Variant Classification Process June 2021. Collection method: clinical testing. Allele origin: germline. Affected: yes.
Comment: In silico analysis supports that this missense variant has a deleterious effect on protein structure/function; Has not been previously published as pathogenic or benign to our knowledge

NM_001145809.2(MYH14):c.5566C>T (p.Arg1856Trp)

Gene: MYH14 (myosin heavy chain 14; plus strand). Cytogenetic location: 19q13.33.
Variant type: single nucleotide variant.
Coding change: c.5566C>T on transcript NM_001145809.2 (MANE Select); coding-DNA position 5566, C replaced by T.
Protein change: p.Arg1856Trp; replaces arginine 1856 with tryptophan.
Molecular consequence: missense variant.
Genome position (GRCh38, 1-based): chr19:50,301,757, C>T. VCF-style: chr19-50301757-C-T. GRCh37 (hg19) VCF-style: chr19-50805014-C-T.
Other names: c.5467C>T, p.Arg1823Trp (NM_001077186.2); c.5443C>T, p.Arg1815Trp (NM_024729.4); short protein forms R1815W, R1823W, R1856W.
Identifiers: ClinVar variation 1314451 (VCV001314451.10), dbSNP rs539875477, ClinGen allele CA9593847.
Genomic context (GRCh38, chr19:50,301,757, plus strand): 5'-AGTTTCTCAGCCAAGGCAGAGAGCGGGCGGCAGCAGCTGGAACGGCAGATCCAGGAGCTA[C>T]GGGGACGCCTGGGTGAGGAGGATGCTGGGGCCCGTGCCCGCCACAAGATGACCATTGCTG-3'
Protein context (NP_001139281.1, residues 1846-1866): QQLERQIQEL[Arg1856Trp]GRLGEEDAGA